The following is an entry in ClinVar:

ClinVar aggregate classification (germline): Pathogenic (1 of 4 stars; one submission).

Conditions:
Autosomal recessive spinocerebellar ataxia 12. Also called: SPINOCEREBELLAR ATAXIA WITH MENTAL RETARDATION AND EPILEPSY. Identifiers: Orphanet 284282, MedGen C3280452, MONDO:0013687, OMIM 614322.
Developmental and epileptic encephalopathy, 1 (DEE1). Also called: INFANTILE SPASM SYNDROME, X-LINKED 1; X-linked infantile spasms; West's syndrome; Tonic spasms with clustering, arrest of psychomotor development and hypsarrhythmia on EEG; X-Linked Infantile Spasm Syndrome; OHTAHARA SYNDROME, X-LINKED. Identifiers: MedGen C3463992, MONDO:0010632, OMIM 308350. Disease mechanism: loss of function.

Submission:

Labcorp Genetics (formerly Invitae), Labcorp
Classification: Pathogenic for Developmental and epileptic encephalopathy, 1; Autosomal recessive spinocerebellar ataxia 12. Last evaluated: 2022-11-19. Review status: criteria provided, single submitter. Criteria: Invitae Variant Classification Sherloc (09022015). Collection method: clinical testing. Allele origin: unknown.
Comment: For these reasons, this variant has been classified as Pathogenic. This variant disrupts a region of the WWOX protein in which other variant(s) (p.Gly372*) have been determined to be pathogenic (PMID: 31780880; Invitae). This suggests that this is a clinically significant region of the protein, and that variants that disrupt it are likely to be disease-causing. This variant has not been reported in the literature in individuals affected with WWOX-related conditions. This variant is a gross deletion of the genomic region encompassing exon(s) 7-9 of the WWOX gene, which includes the termination codon. This deletion extends beyond the assayed region for this gene and therefore may encompass additional genes. While this deletion is not anticipated to lead to nonsense mediated decay, it is expected to alter mRNA translation or result in a truncated protein product.

Literature cited by the submitters: PubMed 31780880.

NC_000016.9:g.(?_78458747)_(79245693_?)del

Gene: WWOX (WW domain containing oxidoreductase; plus strand). Cytogenetic location: 16q23.1-23.2.
Variant type: Deletion.
Identifiers: ClinVar variation 3243517 (VCV003243517.1).